The following is an entry in ClinVar:

ClinVar aggregate classification (germline): Uncertain significance (1 of 4 stars; one submission).

Conditions:
DICER1-related tumor predisposition. Also called: DICER1 syndrome; DICER1-related pleuropulmonary blastoma cancer predisposition syndrome. Identifiers: Orphanet 284343, MedGen C3839822, MONDO:0100216.

Submission:

Labcorp Genetics (formerly Invitae), Labcorp
Classification: Uncertain significance for DICER1-related tumor predisposition. Last evaluated: 2025-08-18. Review status: criteria provided, single submitter. Criteria: Invitae Variant Classification Sherloc (09022015). Collection method: clinical testing. Allele origin: germline.
Comment: This sequence change replaces glutamic acid, which is acidic and polar, with lysine, which is basic and polar, at codon 1856 of the DICER1 protein (p.Glu1856Lys). This variant is not present in population databases (gnomAD no frequency). This variant has not been reported in the literature in individuals affected with DICER1-related conditions. Invitae Evidence Modeling of protein sequence and biophysical properties (such as structural, functional, and spatial information, amino acid conservation, physicochemical variation, residue mobility, and thermodynamic stability) indicates that this missense variant is not expected to disrupt DICER1 protein function with a negative predictive value of 95%. In summary, the available evidence is currently insufficient to determine the role of this variant in disease. Therefore, it has been classified as a Variant of Uncertain Significance.

NM_177438.3(DICER1):c.5566G>A (p.Glu1856Lys)

Gene: DICER1 (dicer 1, ribonuclease III; minus strand). Cytogenetic location: 14q32.13.
Variant type: single nucleotide variant.
Coding change: c.5566G>A on transcript NM_177438.3 (MANE Select); coding-DNA position 5566, G replaced by A.
Protein change: p.Glu1856Lys; replaces glutamic acid 1856 with lysine.
Molecular consequence: missense variant. On other transcripts: synonymous variant (1), non-coding transcript variant (6).
Genome position (GRCh38, 1-based): chr14:95,091,071, C>T on the plus strand (G>A on the coding strand, the complement: DICER1 is on the minus strand). VCF-style: chr14-95091071-C-T. GRCh37 (hg19) VCF-style: chr14-95557408-C-T.
Other names: c.5403G>A, p.Glu1801= (NM_001195573.1); c.5566G>A, p.Glu1856Lys (NM_001271282.3, NM_001291628.2, NM_001395677.1 and 7 more transcripts); c.5284G>A, p.Glu1762Lys (NM_001395686.1); c.5161G>A, p.Glu1721Lys (NM_001395687.1, NM_001395688.1, NM_001395689.1 and 1 more transcripts); c.4999G>A, p.Glu1667Lys (NM_001395691.1); c.3883G>A, p.Glu1295Lys (NM_001395697.1); short protein forms E1762K, E1856K, E1295K, E1667K, E1721K.
Identifiers: ClinVar variation 4705073 (VCV004705073.1).